The following is an entry in ClinVar:

NM_005219.5(DIAPH1):c.36C>T (p.Arg12=)

Gene: DIAPH1 (diaphanous related formin 1; minus strand). Cytogenetic location: 5q31.3.
Variant type: single nucleotide variant.
Coding change: c.36C>T on transcript NM_005219.5 (MANE Select); coding-DNA position 36, C replaced by T.
Protein change: p.Arg12=; no amino-acid change (arginine 12 retained).
Molecular consequence: synonymous variant.
Genome position (GRCh38, 1-based): chr5:141,618,879, G>A on the plus strand (C>T on the coding strand, the complement: DIAPH1 is on the minus strand). VCF-style: chr5-141618879-G-A. GRCh37 (hg19) VCF-style: chr5-140998446-G-A.
Other names: c.36C>T, p.Arg12= (NM_001079812.3, NM_001314007.2); c.36C>T (NM_005219.4).
Identifiers: ClinVar variation 2202326 (VCV002202326.5), dbSNP rs1272478278, ClinGen allele CA446893393.

ClinVar aggregate classification (germline): Likely benign. Review status: criteria provided, multiple submitters, no conflicts (2 of 4 stars). 2 submissions from 2 submitters: Likely benign (2). Last evaluated 2026-01-18.

Conditions:
Autosomal dominant nonsyndromic hearing loss 1. Also called: KONIGSMARK SYNDROME; DEAFNESS, AUTOSOMAL DOMINANT 1, WITH OR WITHOUT THROMBOCYTOPENIA. Identifiers: Orphanet 90635, MedGen C1852282, MONDO:0007424, OMIM 124900.
Progressive microcephaly-seizures-cortical blindness-developmental delay syndrome. Also called: Seizures, cortical blindness, and microcephaly syndrome. Identifiers: Orphanet 477814, MedGen C5567650, MONDO:0014714, OMIM 616632.
DIAPH1-related disorder. Also called: DIAPH1-related condition.

Allele frequency attached by ClinVar (database versions not stated): TOPMed below 0.00001; gnomAD exomes 0.00001.
gnomAD v4.1: 5 of 1,520,576 alleles (0.00033%); highest among the groups gnomAD compares: Admixed American, 0.01%; no homozygotes.

Submissions (2):

Labcorp Genetics (formerly Invitae), Labcorp
Classification: Likely benign for Progressive microcephaly-seizures-cortical blindness-developmental delay syndrome; Autosomal dominant nonsyndromic hearing loss 1. Last evaluated: 2026-01-18. Review status: criteria provided, single submitter. Criteria: Invitae Variant Classification Sherloc (09022015). Collection method: clinical testing. Allele origin: germline.

PreventionGenetics, part of Exact Sciences
Classification: Likely benign for DIAPH1-related condition. Last evaluated: 2025-04-29. Review status: criteria provided, single submitter. Criteria: ACMG Guidelines, 2015. Collection method: clinical testing. Allele origin: germline.
Comment: This variant is classified as likely benign based on ACMG/AMP sequence variant interpretation guidelines (Richards et al. 2015 PMID: 25741868, with internal and published modifications).